The following is an entry in ClinVar:

ClinVar aggregate classification (germline): Likely benign. Review status: criteria provided, multiple submitters, no conflicts (2 of 4 stars). 3 submissions from 3 submitters: Likely benign (3). Last evaluated 2025-06-24.

Conditions:
INVS-related disorder. Also called: INVS-related condition.
Nephronophthisis. Also called: Juvenile Nephronophthisis. Identifiers: Orphanet 655, MedGen C0687120, MONDO:0019005, HP:0000090.

gnomAD v4.1: 2 of 1,614,076 alleles (0.00012%); highest among the groups gnomAD compares: Non-Finnish European, 0.00017%; no homozygotes.

Submissions (3):

PreventionGenetics, part of Exact Sciences
Classification: Likely benign for INVS-related condition. Last evaluated: 2025-06-24. Review status: criteria provided, single submitter. Criteria: ACMG Guidelines, 2015. Collection method: clinical testing. Allele origin: germline.
Comment: This variant is classified as likely benign based on ACMG/AMP sequence variant interpretation guidelines (Richards et al. 2015 PMID: 25741868, with internal and published modifications).

Labcorp Genetics (formerly Invitae), Labcorp
Classification: Likely benign for Nephronophthisis. Last evaluated: 2023-08-04. Review status: criteria provided, single submitter. Criteria: Invitae Variant Classification Sherloc (09022015). Collection method: clinical testing. Allele origin: germline.

CeGaT Center for Human Genetics Tuebingen
Classification: Likely benign. Last evaluated: 2022-03-01. Review status: criteria provided, single submitter. Criteria: CeGaT Center For Human Genetics Tuebingen Variant Classification Criteria Version 2. Collection method: clinical testing. Allele origin: germline. Affected: yes. Observed: 1 variant allele.
Comment: INVS: BP4, BP7

NM_014425.5(INVS):c.462T>C (p.His154=)

Gene: INVS (inversin; plus strand). Cytogenetic location: 9q31.1.
Variant type: single nucleotide variant.
Coding change: c.462T>C on transcript NM_014425.5 (MANE Select); coding-DNA position 462, T replaced by C.
Protein change: p.His154=; no amino-acid change (histidine 154 retained).
Molecular consequence: synonymous variant. On other transcripts: 5 prime UTR variant (1), non-coding transcript variant (1).
Genome position (GRCh38, 1-based): chr9:100,229,674, T>C. VCF-style: chr9-100229674-T-C. GRCh37 (hg19) VCF-style: chr9-102991956-T-C.
Other names: c.174T>C, p.His58= (NM_001318381.2); c.-528T>C (NM_001318382.2); c.462T>C (NM_014425.4).
Identifiers: ClinVar variation 2163817 (VCV002163817.29), dbSNP rs2491201922, ClinGen allele CA466553353.
Genomic context (GRCh38, chr9:100,229,674, plus strand): 5'-AGTTAGTTGTTACTGTTGTTATTTCGAGAACCTCTCGATTTTGCAGCAAACAGCTCTGCA[T>C]TGGAGTGCCTACTACAATAACCCTGAGCATGTGAAGCTGCTCATCAAGCATGATTCTAAC-3'
Protein context (NP_055240.2, residues 144-164): TQDKNKQTAL[His154=]WSAYYNNPEH